The following is an entry in ClinVar:

NM_000088.4(COL1A1):c.197_199delinsTGTTGCC (p.Gly66fs)

Gene: COL1A1 (collagen type I alpha 1 chain; minus strand). Cytogenetic location: 17q21.33.
Variant type: Indel.
Coding change: c.197_199delinsTGTTGCC on transcript NM_000088.4 (MANE Select); coding-DNA positions 197 to 199, GCA replaced by TGTTGCC.
Protein change: p.Gly66fs; shifts the reading frame from glycine 66.
Molecular consequence: frameshift variant.
Genome position (GRCh38, 1-based): chr17:50,199,852-50,199,854, TGC replaced by GGCAACA on the plus strand (GCA replaced by TGTTGCC on the coding strand, the reverse complement: COL1A1 is on the minus strand). VCF-style: chr17-50199852-TGC-GGCAACA. GRCh37 (hg19) VCF-style: chr17-48277213-TGC-GGCAACA.
Other names: c.197_199delGCAinsTGTTGCC (NM_000088.3); short protein forms G66fs.
Identifiers: ClinVar variation 280717 (VCV000280717.1), dbSNP rs886041871, ClinGen allele CA10603459.

ClinVar aggregate classification (germline): Pathogenic (1 of 4 stars; one submission).

Submission:

GeneDx
Classification: Pathogenic. Last evaluated: 2016-07-05. Review status: criteria provided, single submitter. Criteria: GeneDx Variant Classification (06012015). Collection method: clinical testing. Allele origin: germline. Affected: yes.
Comment: The c.197_199delGCAinsTGTTGCC pathogenic variant in the COL1A1 gene has not been reported previously as a pathogenic variant nor as a benign variant, to our knowledge. This variant causes a frameshift starting with codon Glycine 66, changes this amino acid to a Valine residue, and creates a premature Stop codon at position 8 of the new reading frame, denoted p.Gly66ValfsX8. This variant is predicted to cause loss of normal protein function either through protein truncation or nonsense-mediated mRNA decay. The c.197_199delGCAinsTGTTGCC variant was not observed in approximately 6500 individuals of European and African American ancestry in the NHLBI Exome Sequencing Project, indicating it is not a common benign variant in these populations. We interpret c.197_199delGCAinsTGTTGCC as a pathogenic variant.